The following is an entry in ClinVar:

NM_000075.4(CDK4):c.592T>C (p.Trp198Arg)

Gene: CDK4 (cyclin dependent kinase 4; minus strand). Cytogenetic location: 12q14.1.
Variant type: single nucleotide variant.
Coding change: c.592T>C on transcript NM_000075.4 (MANE Select); coding-DNA position 592, T replaced by C.
Protein change: p.Trp198Arg; replaces tryptophan 198 with arginine.
Molecular consequence: missense variant.
Genome position (GRCh38, 1-based): chr12:57,750,696, A>G on the plus strand (T>C on the coding strand, the complement: CDK4 is on the minus strand). VCF-style: chr12-57750696-A-G. GRCh37 (hg19) VCF-style: chr12-58144479-A-G.
Other names: short protein forms W198R.
Identifiers: ClinVar variation 2831896 (VCV002831896.3), dbSNP rs2140385699, ClinGen allele CA385545725.

ClinVar aggregate classification (germline): Uncertain significance (1 of 4 stars; one submission).

Conditions:
Familial melanoma. Also called: Hereditary melanoma; Hereditary cutaneous melanoma. Identifiers: Orphanet 618, MedGen C1512419, MONDO:0018961.

Submission:

Labcorp Genetics (formerly Invitae), Labcorp
Classification: Uncertain significance for Familial melanoma. Last evaluated: 2023-01-25. Review status: criteria provided, single submitter. Criteria: Invitae Variant Classification Sherloc (09022015). Collection method: clinical testing. Allele origin: germline.
Comment: This sequence change replaces tryptophan, which is neutral and slightly polar, with arginine, which is basic and polar, at codon 198 of the CDK4 protein (p.Trp198Arg). This variant is not present in population databases (gnomAD no frequency). In summary, the available evidence is currently insufficient to determine the role of this variant in disease. Therefore, it has been classified as a Variant of Uncertain Significance. Advanced modeling of protein sequence and biophysical properties (such as structural, functional, and spatial information, amino acid conservation, physicochemical variation, residue mobility, and thermodynamic stability) performed at Invitae indicates that this missense variant is expected to disrupt CDK4 protein function. This variant has not been reported in the literature in individuals affected with CDK4-related conditions.